The following is an entry in ClinVar:

NM_001378615.1(CC2D2A):c.932A>G (p.Asp311Gly)

Genes: CC2D2A (coiled-coil and C2 domain containing 2A; plus strand), FBXL5 (F-box and leucine rich repeat protein 5; minus strand). Cytogenetic location: 4p15.32.
Variant type: single nucleotide variant.
Coding change: c.932A>G on transcript NM_001378615.1 (MANE Select); coding-DNA position 932, A replaced by G.
Protein change: p.Asp311Gly; replaces aspartic acid 311 with glycine.
Molecular consequence: missense variant.
Genome position (GRCh38, 1-based): chr4:15,515,919, A>G. VCF-style: chr4-15515919-A-G. GRCh37 (hg19) VCF-style: chr4-15517542-A-G.
Other names: c.932A>G, p.Asp311Gly (NM_001080522.2); c.785A>G, p.Asp262Gly (NM_001378617.1); short protein forms D262G, D311G.
Identifiers: ClinVar variation 1318447 (VCV001318447.10), dbSNP rs375247004, ClinGen allele CA2863522.
Genomic context (GRCh38, chr4:15,515,919, plus strand): 5'-ACGATCTAGTCCCTACATATAAAAAGCTTCCTGAGAATGTACAGCCCAGGTTCCTGGAAG[A>G]TGAAGGCCTTTACACCGGGGTAAGACCAGAGGTGGCACGCACCAATCAGAACATCATGGA-3'
Protein context (NP_001365544.1, residues 301-321): PENVQPRFLE[Asp311Gly]EGLYTGVRPE

ClinVar aggregate classification (germline): Conflicting classifications of pathogenicity. Review status: criteria provided, conflicting classifications (1 of 4 stars). 4 submissions from 4 submitters: Uncertain significance (3); Likely benign (1). Last evaluated 2026-01-28.

Conditions:
Joubert syndrome 9 (JBTS9). Identifiers: Orphanet 2318, MedGen C2676788, MONDO:0012849, OMIM 612285.
COACH syndrome 2. Identifiers: MedGen C5436837, MONDO:0030859, OMIM 619111.
Meckel syndrome, type 6. Identifiers: Orphanet 564, MedGen C2676790, MONDO:0012848, OMIM 612284.
Retinitis pigmentosa 93. Identifiers: MedGen C5676970, MONDO:0030797, OMIM 619845.
Inborn genetic diseases. Identifiers: MedGen C0950123, MeSH D030342.
Joubert syndrome. Also called: JOUBERT-BOLTSHAUSER SYNDROME; Familial aplasia of the vermis. Identifiers: Orphanet 475, MedGen C5979921, MONDO:0018772.
Meckel-Gruber syndrome. Also called: DYSENCEPHALIA SPLANCHNOCYSTICA; GRUBER SYNDROME; Dysencephalia splachnocystica. Identifiers: Orphanet 564, MedGen C0265215, MONDO:0018921.

Allele frequency attached by ClinVar (database versions not stated): gnomAD exomes 0.00001 and 0.00005; gnomAD 0.00005 and 0.00006; ExAC 0.00008; TOPMed 0.00010; ESP Exome Variant Server 0.00017.
gnomAD v4.1: 17 of 1,559,160 alleles (0.0011%); highest among the groups gnomAD compares: African/African-American, 0.02%; no homozygotes.

Submissions (4):

Labcorp Genetics (formerly Invitae), Labcorp
Classification: Likely benign for Joubert syndrome; Meckel-Gruber syndrome. Last evaluated: 2026-01-28. Review status: criteria provided, single submitter. Criteria: Invitae Variant Classification Sherloc (09022015). Collection method: clinical testing. Allele origin: germline.

Ambry Genetics
Classification: Uncertain significance for Inborn genetic diseases. Last evaluated: 2024-08-05. Review status: criteria provided, single submitter. Criteria: Ambry Variant Classification Scheme 2023. Collection method: clinical testing. Allele origin: germline.

Fulgent Genetics
Classification: Uncertain significance for Meckel syndrome, type 6; Joubert syndrome 9; COACH syndrome 2; Retinitis pigmentosa 93. Last evaluated: 2021-10-18. Review status: criteria provided, single submitter. Criteria: ACMG Guidelines, 2015. Collection method: clinical testing. Allele origin: unknown.

GeneDx
Classification: Uncertain significance. Last evaluated: 2020-04-22. Review status: criteria provided, single submitter. Criteria: GeneDx Variant Classification Process June 2021. Collection method: clinical testing. Allele origin: germline. Affected: yes.
Comment: In silico analysis supports that this missense variant has a deleterious effect on protein structure/function; Has not been previously published as pathogenic or benign to our knowledge